The following is an entry in ClinVar:

NM_000090.4(COL3A1):c.763G>T (p.Gly255Trp)

Gene: COL3A1 (collagen type III alpha 1 chain; plus strand). Cytogenetic location: 2q32.2.
Variant type: single nucleotide variant.
Coding change: c.763G>T on transcript NM_000090.4 (MANE Select); coding-DNA position 763, G replaced by T.
Protein change: p.Gly255Trp; replaces glycine 255 with tryptophan.
Molecular consequence: missense variant.
Genome position (GRCh38, 1-based): chr2:188,990,325, G>T. VCF-style: chr2-188990325-G-T. GRCh37 (hg19) VCF-style: chr2-189855051-G-T.
Other names: short protein forms G255W.
Identifiers: ClinVar variation 3693355 (VCV003693355.2).
Genomic context (GRCh38, chr2:188,990,325, plus strand): 5'-TATTTGAAGGTTCATTAATATTTTTTCATTCATTATTTTTAGGGTATCAAAGGTCCAGCT[G>T]GGATACCTGGATTCCCTGGTATGAAAGGACACAGAGTAAGTAGAGTTTCTAAGTTGTTTA-3'
Protein context (NP_000081.2, residues 245-265): PGPPGIKGPA[Gly255Trp]IPGFPGMKGH

ClinVar aggregate classification (germline): Likely pathogenic (1 of 4 stars; one submission).

Conditions:
Ehlers-Danlos syndrome, type 4 (EDSVASC). Also called: Ehlers-Danlos syndrome vascular type; Ehlers Danlos syndrome, ecchymotic type; Ehlers Danlos syndrome, arterial type; Ehlers Danlos syndrome, Sack-Barabas type; Ehlers-Danlos Syndrome Type IV. Identifiers: Orphanet 286, MedGen C0268338, MONDO:0017314, OMIM 130050.

Submission:

Labcorp Genetics (formerly Invitae), Labcorp
Classification: Likely pathogenic for Ehlers-Danlos syndrome, type 4. Last evaluated: 2024-11-14. Review status: criteria provided, single submitter. Criteria: Invitae Variant Classification Sherloc (09022015). Collection method: clinical testing. Allele origin: germline.
Comment: This sequence change replaces glycine, which is neutral and non-polar, with tryptophan, which is neutral and slightly polar, at codon 255 of the COL3A1 protein (p.Gly255Trp). This variant is not present in population databases (gnomAD no frequency). This missense change has been observed in individual(s) with Clinical features of COL3A1-related conditions (PMID: 36189931). Invitae Evidence Modeling of protein sequence and biophysical properties (such as structural, functional, and spatial information, amino acid conservation, physicochemical variation, residue mobility, and thermodynamic stability) indicates that this missense variant is expected to disrupt COL3A1 protein function with a positive predictive value of 95%. This variant disrupts the triple helix domain of COL3A1. Glycine residues within the Gly-Xaa-Yaa repeats of the triple helix domain are required for the structure and stability of fibrillar collagens (PMID: 7695699, 8218237, 19344236). In COL3A1, variants that affect these glycine residues are significantly enriched in individuals with disease (PMID: 24922459, 25758994) compared to the general population (ExAC). In summary, the currently available evidence indicates that the variant is pathogenic, but additional data are needed to prove that conclusively. Therefore, this variant has been classified as Likely Pathogenic.

Literature cited by the submitters: PubMed 36189931; PubMed 7695699; PubMed 8218237; PubMed 19344236; PubMed 24922459; PubMed 25758994.